The following is an entry in ClinVar:

ClinVar aggregate classification (germline): Uncertain significance (1 of 4 stars; one submission).

gnomAD v4.1: 2 of 1,613,026 alleles (0.00012%); highest among the groups gnomAD compares: South Asian, 0.0022%; no homozygotes.

Submission:

Labcorp Genetics (formerly Invitae), Labcorp
Classification: Uncertain significance. Last evaluated: 2024-07-01. Review status: criteria provided, single submitter. Criteria: Invitae Variant Classification Sherloc (09022015). Collection method: clinical testing. Allele origin: germline.
Comment: This sequence change falls in intron 2 of the MICAL1 gene. It does not directly change the encoded amino acid sequence of the MICAL1 protein. It affects a nucleotide within the consensus splice site. This variant is not present in population databases (gnomAD no frequency). This variant has not been reported in the literature in individuals affected with MICAL1-related conditions. Variants that disrupt the consensus splice site are a relatively common cause of aberrant splicing (PMID: 17576681, 9536098). Algorithms developed to predict the effect of sequence changes on RNA splicing suggest that this variant is not likely to affect RNA splicing. In summary, the available evidence is currently insufficient to determine the role of this variant in disease. Therefore, it has been classified as a Variant of Uncertain Significance.

Literature cited by the submitters: PubMed 17576681; PubMed 9536098.

NM_022765.4(MICAL1):c.259-3C>T

Gene: MICAL1 (microtubule associated monooxygenase, calponin and LIM domain containing 1; minus strand). Cytogenetic location: 6q21.
Variant type: single nucleotide variant.
Coding change: c.259-3C>T on transcript NM_022765.4 (MANE Select); 3 bases into the intron before coding-DNA position 259, C replaced by T.
Molecular consequence: intron variant.
Genome position (GRCh38, 1-based): chr6:109,453,848, G>A on the plus strand (C>T on the coding strand, the complement: MICAL1 is on the minus strand). VCF-style: chr6-109453848-G-A. GRCh37 (hg19) VCF-style: chr6-109775051-G-A.
Other names: c.316-3C>T (NM_001286613.2); c.259-3C>T (NM_001159291.2).
Identifiers: ClinVar variation 3684628 (VCV003684628.2).
Genomic context (GRCh38, chr6:109,453,848, plus strand): 5'-GCAGCGCCAGCTCCACAGCGACCCGCAGCCCGCAAGGTCCAGCACCCACCACCAGGCACT[G>A]TGAACACACAGGGCAGTGAGGGCATGGCATCCTGTCCGTCCTCTGACTCCCCGCATGCTC-3'